The following is an entry in ClinVar:

ClinVar aggregate classification (germline): Uncertain significance (1 of 4 stars; one submission).

gnomAD v4.1: 20 of 1,579,410 alleles (0.0013%); highest among the groups gnomAD compares: South Asian, 0.0046%; no homozygotes.

Submission:

Mayo Clinic Laboratories, Mayo Clinic
Classification: Uncertain significance. Last evaluated: 2025-09-06. Review status: criteria provided, single submitter. Criteria: ACMG Guidelines, 2015. Collection method: clinical testing. Allele origin: germline. Observed: 1 variant allele.
Comment: PM2_supporting

Literature cited by the submitters: PubMed 35982159; PubMed 35982160.

NM_014855.3(AP5Z1):c.1066C>T (p.Arg356Trp)

Gene: AP5Z1 (adaptor related protein complex 5 subunit zeta 1; plus strand). Cytogenetic location: 7p22.1.
Variant type: single nucleotide variant.
Coding change: c.1066C>T on transcript NM_014855.3 (MANE Select); coding-DNA position 1066, C replaced by T.
Protein change: p.Arg356Trp; replaces arginine 356 with tryptophan.
Molecular consequence: missense variant. On other transcripts: non-coding transcript variant (1).
Genome position (GRCh38, 1-based): chr7:4,785,618, C>T. VCF-style: chr7-4785618-C-T. GRCh37 (hg19) VCF-style: chr7-4825249-C-T.
Other names: p.Arg356Trp; c.598C>T, p.Arg200Trp (NM_001364858.1); short protein forms R356W, R200W.
Identifiers: ClinVar variation 4541259 (VCV004541259.1).